The following is an entry in ClinVar:

ClinVar aggregate classification (germline): Uncertain significance (1 of 4 stars; one submission).

Conditions:
Hereditary cancer-predisposing syndrome. Also called: Tumor predisposition; Hereditary neoplastic syndrome; Hereditary Cancer Syndrome; Neoplastic Syndromes, Hereditary. Identifiers: Orphanet 140162, MedGen C0027672, MeSH D009386, MONDO:0015356.

gnomAD v4.1: 1 of 1,613,354 alleles (0.000062%); highest among the groups gnomAD compares: Non-Finnish European, 0.000085%; no homozygotes.

Submission:

Ambry Genetics
Classification: Uncertain significance for Hereditary cancer-predisposing syndrome. Last evaluated: 2025-04-07. Review status: criteria provided, single submitter. Criteria: Ambry Variant Classification Scheme 2023. Collection method: clinical testing. Allele origin: germline.
Comment: The p.R821S variant (also known as c.2461C>A), located in coding exon 21 of the POLE gene, results from a C to A substitution at nucleotide position 2461. The arginine at codon 821 is replaced by serine, an amino acid with dissimilar properties. This amino acid position is conserved. In addition, the in silico prediction for this alteration is inconclusive. Based on the available evidence, the clinical significance of this variant remains unclear.

NM_006231.4(POLE):c.2461C>A (p.Arg821Ser)

Gene: POLE (DNA polymerase epsilon, catalytic subunit; minus strand). Cytogenetic location: 12q24.33.
Variant type: single nucleotide variant.
Coding change: c.2461C>A on transcript NM_006231.4 (MANE Select); coding-DNA position 2461, C replaced by A.
Protein change: p.Arg821Ser; replaces arginine 821 with serine.
Molecular consequence: missense variant.
Genome position (GRCh38, 1-based): chr12:132,665,309, G>T on the plus strand (C>A on the coding strand, the complement: POLE is on the minus strand). VCF-style: chr12-132665309-G-T. GRCh37 (hg19) VCF-style: chr12-133241895-G-T.
Other names: short protein forms R821S.
Identifiers: ClinVar variation 3935623 (VCV003935623.1).